The following is an entry in ClinVar:

ClinVar aggregate classification (germline): Uncertain significance (1 of 4 stars; one submission).

Allele frequency attached by ClinVar (database versions not stated): gnomAD exomes below 0.00001.
gnomAD v4.1: 2 of 1,614,222 alleles (0.00012%); highest among the groups gnomAD compares: Non-Finnish European, 0.000085%; no homozygotes.

Submission:

Labcorp Genetics (formerly Invitae), Labcorp
Classification: Uncertain significance. Last evaluated: 2022-03-18. Review status: criteria provided, single submitter. Criteria: Invitae Variant Classification Sherloc (09022015). Collection method: clinical testing. Allele origin: germline.
Comment: This sequence change replaces glutamic acid, which is acidic and polar, with lysine, which is basic and polar, at codon 991 of the ARFGEF2 protein (p.Glu991Lys). This variant is not present in population databases (gnomAD no frequency). This variant has not been reported in the literature in individuals affected with ARFGEF2-related conditions. Algorithms developed to predict the effect of missense changes on protein structure and function are either unavailable or do not agree on the potential impact of this missense change (SIFT: "Deleterious"; PolyPhen-2: "Possibly Damaging"; Align-GVGD: "Class C15"). In summary, the available evidence is currently insufficient to determine the role of this variant in disease. Therefore, it has been classified as a Variant of Uncertain Significance.

NM_006420.3(ARFGEF2):c.2971G>A (p.Glu991Lys)

Gene: ARFGEF2 (ARF guanine nucleotide exchange factor 2; plus strand). Cytogenetic location: 20q13.13.
Variant type: single nucleotide variant.
Coding change: c.2971G>A on transcript NM_006420.3 (MANE Select); coding-DNA position 2971, G replaced by A.
Protein change: p.Glu991Lys; replaces glutamic acid 991 with lysine.
Molecular consequence: missense variant.
Genome position (GRCh38, 1-based): chr20:48,991,196, G>A. VCF-style: chr20-48991196-G-A. GRCh37 (hg19) VCF-style: chr20-47607733-G-A.
Other names: c.2968G>A, p.Glu990Lys (NM_001410846.1); short protein forms E990K, E991K.
Identifiers: ClinVar variation 2076253 (VCV002076253.4), dbSNP rs2515542382, ClinGen allele CA409308464.